The following is an entry in ClinVar:

ClinVar aggregate classification (germline): Conflicting classifications of pathogenicity. Review status: criteria provided, conflicting classifications (1 of 4 stars). 16 submissions from 16 submitters: Uncertain significance (5); Benign (3); Likely benign (6). 2 of the submissions do not count toward it. Last evaluated 2025-10-04.

Conditions:
BRCA2-related cancer predisposition. Identifiers: MedGen CN377758, MONDO:0700269.
Hereditary cancer-predisposing syndrome. Also called: Tumor predisposition; Hereditary neoplastic syndrome; Neoplastic Syndromes, Hereditary; Hereditary Cancer Syndrome. Identifiers: Orphanet 140162, MedGen C0027672, MeSH D009386, MONDO:0015356.
Hereditary breast ovarian cancer syndrome. Also called: Hereditary breast and ovarian cancer; BRCA1- and BRCA2-Associated Hereditary Breast and Ovarian Cancer; Hereditary breast and/or ovarian cancer syndrome; Hereditary breast and ovarian cancer syndrome; Hereditary breast and ovarian cancer syndrome (HBOC); Breast and ovarian cancer. Identifiers: Orphanet 145, MedGen C0677776, MeSH D061325, MONDO:0003582. Disease mechanism: loss of function.
Breast-ovarian cancer, familial, susceptibility to, 2 (BROVCA2). Also called: BRCA2 Hereditary Breast and Ovarian Cancer. Identifiers: Orphanet 145, MedGen C2675520, MONDO:0012933, OMIM 612555. Disease mechanism: loss of function.

Allele frequency attached by ClinVar (database versions not stated): gnomAD 0.00002; gnomAD exomes 0.00002 and 0.00007; ExAC 0.00011; 1000 Genomes Project 30x 0.00047; 1000 Genomes Project 0.00060.
gnomAD v4.1: 36 of 1,613,960 alleles (0.0022%); highest among the groups gnomAD compares: South Asian, 0.037%; no homozygotes.

Submissions (16):

Labcorp Genetics (formerly Invitae), Labcorp
Classification: Likely benign for Hereditary breast ovarian cancer syndrome. Last evaluated: 2025-10-04. Review status: criteria provided, single submitter. Criteria: Invitae Variant Classification Sherloc (09022015). Collection method: clinical testing. Allele origin: germline.

Women's Health and Genetics/Laboratory Corporation of America, LabCorp
Classification: Uncertain significance. Last evaluated: 2025-07-11. Review status: criteria provided, single submitter. Criteria: LabCorp Variant Classification Summary - May 2015. Collection method: clinical testing. Allele origin: germline.
Comment: Variant summary: BRCA2 c.257T>C (p.Leu86Pro) results in a non-conservative amino acid change in the encoded protein sequence. Algorithms developed to predict the effect of missense changes on protein structure and function are either unavailable or do not agree on the potential impact of this missense change. The variant allele was found at a frequency of 6.8e-05 in 251350 control chromosomes. This frequency is not significantly higher than estimated for a pathogenic variant in BRCA2 causing Hereditary Breast And Ovarian Cancer Syndrome (6.8e-05 vs 0.00075), allowing no conclusion about variant significance. c.257T>C has been observed in individual(s) affected with Hereditary Breast And Ovarian Cancer Syndrome (Juwle_2012). These report(s) do not provide unequivocal conclusions about association of the variant with Hereditary Breast And Ovarian Cancer Syndrome. To our knowledge, no experimental evidence demonstrating an impact on protein function has been reported. The following publication has been ascertained in the context of this evaluation (PMID: 22752604). ClinVar contains an entry for this variant (Variation ID: 133742). Based on the evidence outlined above, the variant was classified as uncertain significance.

Myriad Genetics, Inc.
Classification: Benign for Breast-ovarian cancer, familial, susceptibility to, 2. Last evaluated: 2025-05-14. Review status: criteria provided, single submitter. Criteria: Myriad Autosomal Dominant, Autosomal Recessive and X-Linked Classification Criteria (2023). Collection method: clinical testing. Allele origin: unknown.
Comment: This variant is considered benign. This variant is strongly associated with less severe personal and family histories of cancer, typical for individuals without pathogenic variants in this gene [PMID: 25085752]. This variant has been observed in conjunction with multiple pathogenic variants, reducing the likelihood this variant itself is pathogenic.

All of Us Research Program, National Institutes of Health
Classification: Likely benign for BRCA2-related cancer predisposition. Last evaluated: 2024-02-22. Review status: criteria provided, single submitter. Criteria: ACMG Guidelines, 2015. Collection method: clinical testing. Allele origin: germline. Inheritance: Autosomal dominant inheritance. Observed: 5 variant alleles, 5 heterozygotes.
Comment: This study involves interpretation of variants in research participants for the purpose of population health screening. Participant phenotype was not available at the time of variant classification. Additional details can be found in publication PMID: 35346344, PMCID: PMC8962531

ARUP Laboratories, Molecular Genetics and Genomics, ARUP Laboratories
Classification: Benign. Last evaluated: 2024-01-03. Review status: criteria provided, single submitter. Criteria: ARUP Molecular Germline Variant Investigation Process 2024. Collection method: clinical testing. Allele origin: germline.

Ambry Genetics
Classification: Benign for Hereditary cancer-predisposing syndrome. Last evaluated: 2023-12-07. Review status: criteria provided, single submitter. Criteria: Ambry Variant Classification Scheme 2023. Collection method: clinical testing. Allele origin: germline.

KCCC/NGS Laboratory, Kuwait Cancer Control Center
Classification: Uncertain significance for Breast-ovarian cancer, familial, susceptibility to, 2. Last evaluated: 2023-06-06. Review status: criteria provided, single submitter. Criteria: ACMG Guidelines, 2015. Collection method: clinical testing. Allele origin: germline. Affected: yes.
Comment: This sequence change replaces leucine with proline at codon 86 of the BRCA2 protein (p.Leu86Pro). The leucine residue is weakly conserved and there is a moderate physicochemical difference between leucine and proline. This variant is present in population databases (rs572782576, ExAC 0.1%), and has an allele count higher than expected for a pathogenic variant (PMID: 28166811). ClinVar contains 6 entries for this variant (Variation ID: 133742). Four entries list this variant as unknown significance, one entry lists it as likely benign, and one entry does not offer an interpretation. Algorithms developed to predict the effect of missense changes on protein structure and function output the following: SIFT: "Tolerated"; PolyPhen-2: "Benign"; Align-GVGD: "Class C0". The proline amino acid residue is found in multiple mammalian species, suggesting that this missense change does not adversely affect protein function. These predictions have not been confirmed by published functional studies and their clinical significance is uncertain. In summary, the available evidence is currently insufficient to determine the role of this variant in disease. Therefore, it has been classified as a Variant of Uncertain Significance.

Blueprint Genetics
Classification: Likely benign. Last evaluated: 2023-04-03. Review status: criteria provided, single submitter. Criteria: ACMG Guidelines, 2015. Collection method: clinical testing. Allele origin: germline.

GeneDx
Classification: Uncertain significance. Last evaluated: 2023-01-24. Review status: criteria provided, single submitter. Criteria: GeneDx Variant Classification Process June 2021. Collection method: clinical testing. Allele origin: germline. Affected: yes.
Comment: In silico analysis supports that this missense variant does not alter protein structure/function; Also known as 485T>C; This variant is associated with the following publications: (PMID: 24728327, 22752604)

National Health Laboratory Service, Universitas Academic Hospital and University of the Free State
Classification: Likely benign for Hereditary breast ovarian cancer syndrome. Last evaluated: 2021-11-16. Review status: criteria provided, single submitter. Criteria: ACMG Guidelines, 2015. Collection method: clinical testing. Allele origin: germline. Affected: yes. Observed: 1 variant allele.

Sema4
Classification: Uncertain significance for Hereditary cancer-predisposing syndrome. Last evaluated: 2021-07-22. Review status: criteria provided, single submitter. Criteria: Sema4 Curation Guidelines. Collection method: curation. Allele origin: germline.
Comment: The BRCA2 c.257T>C (p.L86P) variant has been reported in heterozygosity in a relative of an individual with early-onset breast cancer (PMID: 22752604). It has also been reported in healthy individuals (PMID: 24728327, 33471991). It is also known as 485T>C in the literature. This variant was observed in 15/30610 chromosomes in the South Asian population, with no homozygotes, according to the Genome Aggregation Database (PMID: 32461654) and has been reported in ClinVar (Variation ID: 133742). Functional studies have not been performed, and in silico predictions of the variant's effect on protein function are inconclusive. Based on the current evidence available, this variant is interpreted as a variant of uncertain significance.

Quest Diagnostics Nichols Institute San Juan Capistrano
Classification: Likely benign. Last evaluated: 2021-03-05. Review status: criteria provided, single submitter. Criteria: Quest Diagnostics criteria. Collection method: clinical testing. Allele origin: unknown.

Mayo Clinic Laboratories, Mayo Clinic
Classification: Uncertain significance. Last evaluated: 2019-07-11. Review status: criteria provided, single submitter. Criteria: ACMG Guidelines, 2015. Collection method: clinical testing. Allele origin: germline. Observed: 1 variant allele.

Color Diagnostics, LLC DBA Color Health
Classification: Likely benign for Hereditary cancer-predisposing syndrome. Last evaluated: 2017-02-21. Review status: criteria provided, single submitter. Criteria: ACMG Guidelines, 2015. Collection method: clinical testing. Allele origin: germline.

Counsyl
Classification: Uncertain significance for Breast-ovarian cancer, familial, susceptibility to, 2. Last evaluated: 2017-02-14. Review status: no assertion criteria provided. Collection method: clinical testing. Allele origin: unknown. Not counted in ClinVar's aggregate classification.

ITMI
No classification provided. Condition: AllHighlyPenetrant. Last evaluated: 2013-09-19. Review status: no classification provided. Collection method: reference population. Allele origin: germline. Not counted in ClinVar's aggregate classification.
Comment: Please see associated publication for description of ethnicities

Literature cited by the submitters: PubMed 22752604 (cited by 5 submitters); PubMed 25085752 (cited by Myriad Genetics, Inc.); PubMed 24728327 (cited by 5 submitters); DOI 10.3389/fgene.2022.834265 (cited by National Health Laboratory Service, Universitas Academic Hospital and University of the Free State); PubMed 33471991 (cited by Sema4).

NM_000059.4(BRCA2):c.257T>C (p.Leu86Pro)

Gene: BRCA2 (BRCA2 DNA repair associated; plus strand). Cytogenetic location: 13q13.1.
Variant type: single nucleotide variant.
Coding change: c.257T>C on transcript NM_000059.4 (MANE Select); coding-DNA position 257, T replaced by C.
Protein change: p.Leu86Pro; replaces leucine 86 with proline.
Molecular consequence: missense variant.
Genome position (GRCh38, 1-based): chr13:32,319,266, T>C. VCF-style: chr13-32319266-T-C. GRCh37 (hg19) VCF-style: chr13-32893403-T-C.
Other names: p.L86P:CTG>CCG; NP_000050.3:p.Leu86Pro; short protein forms L86P.
Identifiers: ClinVar variation 133742 (VCV000133742.54), dbSNP rs572782576, ClinGen allele CA015684.